The following is an entry in ClinVar:

NM_006206.6(PDGFRA):c.2376A>T (p.Leu792Phe)

Gene: PDGFRA (platelet derived growth factor receptor alpha; plus strand). Cytogenetic location: 4q12.
Variant type: single nucleotide variant.
Coding change: c.2376A>T on transcript NM_006206.6 (MANE Select); coding-DNA position 2376, A replaced by T.
Protein change: p.Leu792Phe; replaces leucine 792 with phenylalanine.
Molecular consequence: missense variant.
Genome position (GRCh38, 1-based): chr4:54,285,423, A>T. VCF-style: chr4-54285423-A-T. GRCh37 (hg19) VCF-style: chr4-55151590-A-T.
Other names: c.2451A>T, p.Leu817Phe (NM_001347828.2); c.2376A>T, p.Leu792Phe (NM_001347829.2); c.2415A>T, p.Leu805Phe (NM_001347830.2); short protein forms L805F, L792F, L817F.
Identifiers: ClinVar variation 863489 (VCV000863489.8), dbSNP rs1724302868, ClinGen allele CA356894689.
Genomic context (GRCh38, chr4:54,285,423, plus strand): 5'-TTCTGCAGACTCAGAAGTCAAAAACCTCCTTTCAGATGATAACTCAGAAGGCCTTACTTT[A>T]TTGGATTTGTTGAGCTTCACCTATCAAGTTGCCCGAGGAATGGAGTTTTTGGCTTCAAAA-3'
Protein context (NP_006197.1, residues 782-802): LSDDNSEGLT[Leu792Phe]LDLLSFTYQV

ClinVar aggregate classification (germline): Uncertain significance. Review status: criteria provided, multiple submitters, no conflicts (2 of 4 stars). 2 submissions from 2 submitters: Uncertain significance (2). Last evaluated 2025-12-12.

Conditions:
Hereditary cancer-predisposing syndrome. Also called: Neoplastic Syndromes, Hereditary; Tumor predisposition; Hereditary Cancer Syndrome; Hereditary neoplastic syndrome. Identifiers: Orphanet 140162, MedGen C0027672, MeSH D009386, MONDO:0015356.
Gastrointestinal stromal tumor. Also called: Gastrointestinal stromal tumor, somatic; Gastrointestinal stroma tumor. Identifiers: Orphanet 44890, MedGen C0238198, MeSH D046152, MONDO:0011719, OMIM 606764, HP:0100723.

Allele frequency attached by ClinVar (database versions not stated): gnomAD exomes below 0.00001.
gnomAD v4.1: 4 of 1,590,544 alleles (0.00025%); highest among the groups gnomAD compares: Non-Finnish European, 0.00035%; no homozygotes.

Submissions (2):

Ambry Genetics
Classification: Uncertain significance for Hereditary cancer-predisposing syndrome. Last evaluated: 2025-12-12. Review status: criteria provided, single submitter. Criteria: Ambry Variant Classification Scheme 2023. Collection method: clinical testing. Allele origin: germline.
Comment: The p.L792F variant (also known as c.2376A>T), located in coding exon 16 of the PDGFRA gene, results from an A to T substitution at nucleotide position 2376. The leucine at codon 792 is replaced by phenylalanine, an amino acid with highly similar properties. This amino acid position is well conserved in available vertebrate species. In addition, this alteration is predicted to be tolerated by in silico analysis. Based on the available evidence, the clinical significance of this variant remains unclear.

Labcorp Genetics (formerly Invitae), Labcorp
Classification: Uncertain significance for Gastrointestinal stromal tumor. Last evaluated: 2025-06-17. Review status: criteria provided, single submitter. Criteria: Invitae Variant Classification Sherloc (09022015). Collection method: clinical testing. Allele origin: germline.
Comment: This sequence change replaces leucine, which is neutral and non-polar, with phenylalanine, which is neutral and non-polar, at codon 792 of the PDGFRA protein (p.Leu792Phe). This variant is not present in population databases (gnomAD no frequency). This variant has not been reported in the literature in individuals affected with PDGFRA-related conditions. ClinVar contains an entry for this variant (Variation ID: 863489). Invitae Evidence Modeling of protein sequence and biophysical properties (such as structural, functional, and spatial information, amino acid conservation, physicochemical variation, residue mobility, and thermodynamic stability) indicates that this missense variant is not expected to disrupt PDGFRA protein function with a negative predictive value of 80%. In summary, the available evidence is currently insufficient to determine the role of this variant in disease. Therefore, it has been classified as a Variant of Uncertain Significance.